The following is an entry in ClinVar:

NM_000059.4(BRCA2):c.1854_1858delinsTTAA (p.Gln619_Phe620delinsTer)

Gene: BRCA2 (BRCA2 DNA repair associated; plus strand). Cytogenetic location: 13q13.1.
Variant type: Indel.
Coding change: c.1854_1858delinsTTAA on transcript NM_000059.4 (MANE Select); coding-DNA positions 1854 to 1858, CCAGT replaced by TTAA.
Protein change: p.Gln619_Phe620delinsTer.
Molecular consequence: nonsense. On other transcripts: non-coding transcript variant (1), intron variant (1).
Genome position (GRCh38, 1-based): chr13:32,333,332-32,333,336, CCAGT replaced by TTAA. VCF-style: chr13-32333332-CCAGT-TTAA. GRCh37 (hg19) VCF-style: chr13-32907469-CCAGT-TTAA.
Other names: c.1854_1858delinsTTAA, p.Gln619_Phe620delinsTer (NM_001406719.1, NM_001406720.1, NM_001406721.1 and 1 more transcripts); c.424+2302_424+2306delinsTTAA (NM_001406722.1).
Identifiers: ClinVar variation 4867854 (VCV004867854.1).

ClinVar aggregate classification (germline): Pathogenic (1 of 4 stars; one submission).

Conditions:
Hereditary cancer-predisposing syndrome. Also called: Neoplastic Syndromes, Hereditary; Tumor predisposition; Hereditary Cancer Syndrome; Hereditary neoplastic syndrome. Identifiers: Orphanet 140162, MedGen C0027672, MeSH D009386, MONDO:0015356.

Submission:

Ambry Genetics
Classification: Pathogenic for Hereditary cancer-predisposing syndrome. Last evaluated: 2026-05-14. Review status: criteria provided, single submitter. Criteria: Ambry Variant Classification Scheme 2023. Collection method: clinical testing. Allele origin: germline.
Comment: The c.1854_1858delCCAGTinsTTAA pathogenic mutation, located in coding exon 9 of the BRCA2 gene, results from the deletion of 5 nucleotides and insertion of 4 nucleotides causing a translational frameshift with a predicted alternate stop codon (p.Q619*). This variant is considered to be rare based on population cohorts in the Genome Aggregation Database (gnomAD). This alteration is expected to result in loss of function by premature protein truncation or nonsense-mediated mRNA decay. As such, this alteration is interpreted as a disease-causing mutation.